The following is an entry in ClinVar:

NM_005751.5(AKAP9):c.952A>G (p.Asn318Asp)

Gene: AKAP9 (A-kinase anchoring protein 9; plus strand). Cytogenetic location: 7q21.2.
Variant type: single nucleotide variant.
Coding change: c.952A>G on transcript NM_005751.5 (MANE Select); coding-DNA position 952, A replaced by G.
Protein change: p.Asn318Asp; replaces asparagine 318 with aspartic acid.
Molecular consequence: missense variant.
Genome position (GRCh38, 1-based): chr7:92,000,869, A>G. VCF-style: chr7-92000869-A-G. GRCh37 (hg19) VCF-style: chr7-91630183-A-G.
Other names: c.952A>G, p.Asn318Asp (NM_147185.3); short protein forms N318D.
Identifiers: ClinVar variation 1767271 (VCV001767271.2), dbSNP rs2484688467, ClinGen allele CA368120660.

ClinVar aggregate classification (germline): Uncertain significance (1 of 4 stars; one submission).

Conditions:
Cardiovascular phenotype. Identifiers: MedGen CN230736.

Submission:

Ambry Genetics
Classification: Uncertain significance for Cardiovascular phenotype. Last evaluated: 2020-11-12. Review status: criteria provided, single submitter. Criteria: Ambry Variant Classification Scheme 2023. Collection method: clinical testing. Allele origin: germline.
Comment: The p.N318D variant (also known as c.952A>G), located in coding exon 8 of the AKAP9 gene, results from an A to G substitution at nucleotide position 952. The asparagine at codon 318 is replaced by aspartic acid, an amino acid with highly similar properties. This amino acid position is poorly conserved in available vertebrate species. In addition, this alteration is predicted to be tolerated by in silico analysis. Since supporting evidence is limited at this time, the clinical significance of this alteration remains unclear.